The following is an entry in ClinVar:

ClinVar aggregate classification (germline): Conflicting classifications of pathogenicity. Review status: criteria provided, conflicting classifications (1 of 4 stars). 4 submissions from 4 submitters: Uncertain significance (2); Likely benign (2). Last evaluated 2026-06-01.

Conditions:
Pityriasis rubra pilaris (PRP). Also called: Pityriasis rubra pilaris--familial type. Identifiers: Orphanet 2897, MedGen C0032027, MONDO:0100017, OMIM 173200, MONDO:0008251.
Psoriasis 2. Identifiers: MedGen C1864497, MONDO:0011269, OMIM 602723.
Autoinflammatory syndrome. Identifiers: Orphanet 93665, MedGen C3890737, MONDO:0019751.

Allele frequency attached by ClinVar (database versions not stated): TOPMed 0.00022; ESP Exome Variant Server 0.00054; gnomAD 0.00021 and 0.00019; gnomAD exomes 0.00023; ExAC 0.00033.

Submissions (4):

Women's Health and Genetics/Laboratory Corporation of America, LabCorp
Classification: Likely benign. Last evaluated: 2026-06-01. Review status: criteria provided, single submitter. Criteria: LabCorp Variant Classification Summary - May 2015. Collection method: clinical testing. Allele origin: germline.
Comment: Variant summary: CARD14 c.234G>T (p.Lys78Asn) results in a non-conservative amino acid change in the encoded protein sequence. Algorithms developed to predict the effect of missense changes on protein structure and function are either unavailable or do not agree on the potential impact of this missense change. The variant allele was found at a frequency of 0.00023 in 251258 control chromosomes. The observed variant frequency exceeds the estimated maximal expected allele frequency for disease-causing variants in CARD14. c.234G>T has been observed in at least one heterozygous individual affected with CARD14-related conditions (Twelves_2019). This report does not provide unequivocal conclusions regarding the association between the variant and disease. To our knowledge, no experimental evidence demonstrating an impact on protein function has been reported. The following publication has been ascertained in the context of this evaluation (PMID: 30036598). ClinVar contains an entry for this variant (Variation ID: 527867). Based on the evidence outlined above, the variant was classified as likely benign.

Labcorp Genetics (formerly Invitae), Labcorp
Classification: Likely benign for Pityriasis rubra pilaris; Psoriasis 2. Last evaluated: 2026-02-01. Review status: criteria provided, single submitter. Criteria: Invitae Variant Classification Sherloc (09022015). Collection method: clinical testing. Allele origin: germline.

Genome Diagnostics Laboratory, The Hospital for Sick Children
Classification: Uncertain significance for Autoinflammatory syndrome. Last evaluated: 2022-01-12. Review status: criteria provided, single submitter. Criteria: ACMG Guidelines, 2015. Collection method: clinical testing. Allele origin: germline. Affected: yes.

Breakthrough Genomics
Classification: Uncertain significance. Review status: criteria provided, single submitter. Criteria: ACMG Guidelines, 2015. Collection method: not provided. Allele origin: germline. Inheritance: Autosomal dominant inheritance. Affected: yes.

Literature cited by the submitters: PubMed 30036598 (cited by Women's Health and Genetics/Laboratory Corporation of America, LabCorp).

NM_001366385.1(CARD14):c.234G>T (p.Lys78Asn)

Gene: CARD14 (caspase recruitment domain family member 14; plus strand). Cytogenetic location: 17q25.3.
Variant type: single nucleotide variant.
Coding change: c.234G>T on transcript NM_001366385.1 (MANE Select); coding-DNA position 234, G replaced by T.
Protein change: p.Lys78Asn; replaces lysine 78 with asparagine.
Molecular consequence: missense variant. On other transcripts: non-coding transcript variant (1).
Genome position (GRCh38, 1-based): chr17:80,182,675, G>T. VCF-style: chr17-80182675-G-T. GRCh37 (hg19) VCF-style: chr17-78156474-G-T.
Other names: c.234G>T, p.Lys78Asn (NM_024110.4, NM_001257970.1); short protein forms K78N.
Identifiers: ClinVar variation 527867 (VCV000527867.14), dbSNP rs143747620, ClinGen allele CA8816369.